The following is an entry in ClinVar:

ClinVar aggregate classification (germline): Likely benign. Review status: criteria provided, multiple submitters, no conflicts (2 of 4 stars). 3 submissions from 3 submitters: Likely benign (2). 1 of the submissions does not count toward it. Last evaluated 2026-01-01.

Conditions:
GEMIN4-related disorder. Also called: GEMIN4-related condition.

Allele frequency attached by ClinVar (database versions not stated): 1000 Genomes Project 30x 0.00141; 1000 Genomes Project 0.00160; TOPMed 0.00193; gnomAD 0.00200 and 0.00208; ESP Exome Variant Server 0.00205; gnomAD exomes 0.00216; ExAC 0.00229.
gnomAD v4.1: 4,386 of 1,613,980 alleles (0.27%); highest among the groups gnomAD compares: Middle Eastern, 0.69%; 15 homozygotes.

Submissions (4):

CeGaT Center for Human Genetics Tuebingen
Classification: Likely benign. Last evaluated: 2026-01-01. Review status: criteria provided, single submitter. Criteria: CeGaT Center For Human Genetics Tuebingen Variant Classification Criteria Version 2. Collection method: clinical testing. Allele origin: germline. Affected: yes. Observed: 13 variant alleles.
Comment: GEMIN4: BP4, BS2

Labcorp Genetics (formerly Invitae), Labcorp
Classification: Likely benign. Last evaluated: 2019-12-31. Review status: criteria provided, single submitter. Criteria: Invitae Variant Classification Sherloc (09022015). Collection method: clinical testing. Allele origin: germline.

PreventionGenetics, part of Exact Sciences
Classification: Likely benign for GEMIN4-related condition. Last evaluated: 2022-02-10. Review status: no assertion criteria provided. Collection method: clinical testing. Allele origin: germline. Not counted in ClinVar's aggregate classification.
Comment: This variant is classified as likely benign based on ACMG/AMP sequence variant interpretation guidelines (Richards et al. 2015 PMID: 25741868, with internal and published modifications).

Dr. Peter K. Rogan Lab, Western University
No classification provided (evidence only). Condition: Sarcoma. Review status: no classification provided. Collection method: in vitro. Allele origin: not applicable. Functional consequence: retained intron. Not counted in ClinVar's aggregate classification.

NM_015721.3(GEMIN4):c.1585A>T (p.Thr529Ser)

Gene: GEMIN4 (gem nuclear organelle associated protein 4; minus strand). Cytogenetic location: 17p13.3.
Variant type: single nucleotide variant.
Coding change: c.1585A>T on transcript NM_015721.3 (MANE Select); coding-DNA position 1585, A replaced by T.
Protein change: p.Thr529Ser; replaces threonine 529 with serine.
Molecular consequence: missense variant.
Genome position (GRCh38, 1-based): chr17:746,458, T>A on the plus strand (A>T on the coding strand, the complement: GEMIN4 is on the minus strand). VCF-style: chr17-746458-T-A. GRCh37 (hg19) VCF-style: chr17-649698-T-A.
Other names: NC_000017.10:g.649698T>A; short protein forms T529S.
Identifiers: ClinVar variation 715039 (VCV000715039.37), dbSNP rs35172207, ClinGen allele CA8262605.
Genomic context (GRCh38, chr17:746,458, plus strand): 5'-CGGAGGCCACAGCTTTTGCCAAGCCCTGTTCGGAGGCACTCTGAGTGAGCTGGTTAAAAG[T>A]TGTATTGAGGTCTTCCTGAAAACCCTCCACATAAGCCAGCAACTTTTCAGAGAGGCCCTT-3'
Protein context (NP_056536.2, residues 519-539): VEGFQEDLNT[Thr529Ser]FNQLTQSASE